The following is an entry in ClinVar:

NM_001001563.5(TIMM50):c.676A>G (p.Met226Val)

Gene: TIMM50 (translocase of inner mitochondrial membrane 50; plus strand). Cytogenetic location: 19q13.2.
Variant type: single nucleotide variant.
Coding change: c.676A>G on transcript NM_001001563.5 (MANE Select); coding-DNA position 676, A replaced by G.
Protein change: p.Met226Val; replaces methionine 226 with valine.
Molecular consequence: missense variant.
Genome position (GRCh38, 1-based): chr19:39,486,475, A>G. VCF-style: chr19-39486475-A-G. GRCh37 (hg19) VCF-style: chr19-39977115-A-G.
Other names: c.337A>G, p.Met113Val (NM_001329559.2); c.985A>G (NM_001001563.1); short protein forms M113V, M226V.
Identifiers: ClinVar variation 1906845 (VCV001906845.4), dbSNP rs778570845, ClinGen allele CA9431925.
Genomic context (GRCh38, chr19:39,486,475, plus strand): 5'-GATAGTGTGGACCCCCATGGCTTCATCTCCTACCGCCTATTCCGGGACGCCACAAGATAC[A>G]TGGATGGACACCATGTAAAGGTGCCGTGGGTTCATGGGTGGGCCTCTGGGATTTGGCGGA-3'
Protein context (NP_001001563.2, residues 216-236): YRLFRDATRY[Met226Val]DGHHVKDISC

ClinVar aggregate classification (germline): Uncertain significance. Review status: criteria provided, multiple submitters, no conflicts (2 of 4 stars). 2 submissions from 2 submitters: Uncertain significance (2). Last evaluated 2025-06-30.

Conditions:
Inborn genetic diseases. Identifiers: MedGen C0950123, MeSH D030342.

Allele frequency attached by ClinVar (database versions not stated): ExAC 0.00002; gnomAD exomes 0.00002; gnomAD 0.00005; TOPMed 0.00005.
gnomAD v4.1: 18 of 1,613,994 alleles (0.0011%); highest among the groups gnomAD compares: Admixed American, 0.017%; no homozygotes.

Submissions (2):

Ambry Genetics
Classification: Uncertain significance for Inborn genetic diseases. Last evaluated: 2025-06-30. Review status: criteria provided, single submitter. Criteria: Ambry Variant Classification Scheme 2023. Collection method: clinical testing. Allele origin: germline.

Labcorp Genetics (formerly Invitae), Labcorp
Classification: Uncertain significance. Last evaluated: 2022-09-27. Review status: criteria provided, single submitter. Criteria: Invitae Variant Classification Sherloc (09022015). Collection method: clinical testing. Allele origin: germline.
Comment: In summary, the available evidence is currently insufficient to determine the role of this variant in disease. Therefore, it has been classified as a Variant of Uncertain Significance. Advanced modeling of protein sequence and biophysical properties (such as structural, functional, and spatial information, amino acid conservation, physicochemical variation, residue mobility, and thermodynamic stability) performed at Invitae indicates that this missense variant is not expected to disrupt TIMM50 protein function. This variant has not been reported in the literature in individuals affected with TIMM50-related conditions. This variant is present in population databases (rs778570845, gnomAD 0.02%). This sequence change replaces methionine, which is neutral and non-polar, with valine, which is neutral and non-polar, at codon 329 of the TIMM50 protein (p.Met329Val).